The following is an entry in ClinVar:

ClinVar aggregate classification (germline): Benign/Likely benign. Review status: criteria provided, multiple submitters, no conflicts (2 of 4 stars). 4 submissions from 4 submitters: Benign (1); Likely benign (3). Last evaluated 2024-06-25.

Conditions:
Hereditary cancer-predisposing syndrome. Also called: Tumor predisposition; Hereditary Cancer Syndrome; Neoplastic Syndromes, Hereditary; Hereditary neoplastic syndrome. Identifiers: Orphanet 140162, MedGen C0027672, MeSH D009386, MONDO:0015356.
Familial adenomatous polyposis 1 (FAP1). Also called: FAMILIAL ADENOMATOUS POLYPOSIS 1, ATTENUATED; POLYPOSIS, ADENOMATOUS INTESTINAL. Identifiers: MedGen C2713442, MONDO:0021056, OMIM 175100. Disease mechanism: loss of function.

Submissions (4):

Labcorp Genetics (formerly Invitae), Labcorp
Classification: Likely benign for Familial adenomatous polyposis 1. Last evaluated: 2024-06-25. Review status: criteria provided, single submitter. Criteria: Invitae Variant Classification Sherloc (09022015). Collection method: clinical testing. Allele origin: germline.

Myriad Genetics, Inc.
Classification: Benign for Familial adenomatous polyposis 1. Last evaluated: 2024-02-29. Review status: criteria provided, single submitter. Criteria: Myriad Autosomal Dominant, Autosomal Recessive and X-Linked Classification Criteria (2023). Collection method: clinical testing. Allele origin: unknown.
Comment: This variant is considered benign. This variant is a silent/synonymous amino acid change and it is not expected to impact splicing.

Color Diagnostics, LLC DBA Color Health
Classification: Likely benign for Hereditary cancer-predisposing syndrome. Last evaluated: 2023-10-03. Review status: criteria provided, single submitter. Criteria: ACMG Guidelines, 2015. Collection method: clinical testing. Allele origin: germline.

Ambry Genetics
Classification: Likely benign for Hereditary cancer-predisposing syndrome. Last evaluated: 2018-09-29. Review status: criteria provided, single submitter. Criteria: Ambry Variant Classification Scheme 2023. Collection method: clinical testing. Allele origin: germline.

NM_000038.6(APC):c.945G>A (p.Val315=)

Gene: APC (APC regulator of Wnt signaling pathway; plus strand). Cytogenetic location: 5q22.2.
Variant type: single nucleotide variant.
Coding change: c.945G>A on transcript NM_000038.6 (MANE Select); coding-DNA position 945, G replaced by A.
Protein change: p.Val315=; no amino-acid change (valine 315 retained).
Molecular consequence: synonymous variant. On other transcripts: intron variant (4).
Genome position (GRCh38, 1-based): chr5:112,818,977, G>A. VCF-style: chr5-112818977-G-A. GRCh37 (hg19) VCF-style: chr5-112154674-G-A.
Other names: c.945G>A, p.Val315= (NM_001127510.3, NM_001354895.2, NM_001354896.2); c.891G>A, p.Val297= (NM_001127511.3); c.975G>A, p.Val325= (NM_001354897.2); c.870G>A, p.Val290= (NM_001354898.2); c.861G>A, p.Val287= (NM_001354899.2); c.768G>A, p.Val256= (NM_001354900.2, NM_001354901.2); c.96G>A, p.Val32= (NM_001354906.2); c.964-292G>A (NM_001354902.2); and 3 more.
Identifiers: ClinVar variation 823264 (VCV000823264.8), dbSNP rs1580527576, ClinGen allele CA445755747.